The following is an entry in ClinVar:

NM_000080.4(CHRNE):c.1081_1099del (p.Glu361fs)

Genes: CHRNE (cholinergic receptor nicotinic epsilon subunit; minus strand), LOC130060041 (ATAC-STARR-seq lymphoblastoid silent region 8050; plus strand). Cytogenetic location: 17p13.2.
Variant type: Deletion.
Coding change: c.1081_1099del on transcript NM_000080.4 (MANE Select); coding-DNA positions 1081 to 1099, 19 bases deleted (GAGGCCCCCCGGGCCGCCT).
Protein change: p.Glu361fs; shifts the reading frame from glutamic acid 361.
Molecular consequence: frameshift variant.
Genome position (GRCh38, 1-based): chr17:4,899,318-4,899,336, AGGCGGCCCGGGGGGCCTC deleted on the plus strand (GAGGCCCCCCGGGCCGCCT on the coding strand, the reverse complement: CHRNE is on the minus strand). VCF-style (leftmost placement, unchanged base first): chr17-4899317-GAGGCGGCCCGGGGGGCCTC-G. GRCh37 (hg19) VCF-style: chr17-4802612-GAGGCGGCCCGGGGGGCCTC-G.
Other names: c.1081_1099del, p.Glu361fs (LRG_1254t1); short protein forms E361fs.
Identifiers: ClinVar variation 623392 (VCV000623392.3), dbSNP rs1567636493, ClinGen allele CA913190417.

ClinVar aggregate classification (germline): Pathogenic. Review status: criteria provided, multiple submitters, no conflicts (2 of 4 stars). 2 submissions from 2 submitters: Pathogenic (2). Last evaluated 2026-08-11.

Conditions:
Congenital myasthenic syndrome (CMS). Also called: Congenital Myasthenic Syndromes. Identifiers: Orphanet 590, MedGen C0751882, MeSH D020294, MONDO:0018940.
Congenital myasthenic syndrome 4C (CMS4C). Also called: Myasthenic syndrome, congenital, associated with acetylcholine receptor deficiency. Identifiers: Orphanet 590, MedGen C1837091, MONDO:0012157, OMIM 608931.

Allele frequency attached by ClinVar (database versions not stated): gnomAD exomes below 0.00001.

Submissions (2):

Myriad Genetics, Inc.
Classification: Pathogenic for Congenital myasthenic syndrome. Last evaluated: 2026-08-11. Review status: criteria provided, single submitter. Criteria: Myriad Autosomal Dominant, Autosomal Recessive and X-Linked Classification Criteria (2023). Collection method: clinical testing. Allele origin: unknown.
Comment: NM_000080.3(CHRNE):c.1081_1099del19(E361Rfs*18) is expected to be pathogenic in the context of congenital myasthenic syndrome, CHRNE-related. This variant is predicted to lead to an abnormal or absent protein product due to the creation of a premature termination codon in CHRNE, a gene where loss-of-function variants are known to be pathogenic. Please note: this variant was assessed in the context of healthy population screening.

Department of Genetics, Sultan Qaboos University Hospital
Classification: Pathogenic for Congenital myasthenic syndrome 4C. Last evaluated: 2017-12-30. Review status: criteria provided, single submitter. Criteria: ACMG Guidelines, 2015. Collection method: clinical testing. Allele origin: unknown. Affected: yes.